The following is an entry in ClinVar:

ClinVar aggregate classification (germline): Likely pathogenic (1 of 4 stars; one submission).
ClinVar aggregate classification (oncogenicity): Likely oncogenic (1 of 4 stars; one submission).

Conditions:
Hereditary cancer-predisposing syndrome. Also called: Tumor predisposition; Hereditary Cancer Syndrome; Neoplastic Syndromes, Hereditary; Hereditary neoplastic syndrome. Identifiers: Orphanet 140162, MedGen C0027672, MeSH D009386, MONDO:0015356.
Neoplasm. Also called: tumor; Neoplasms; Neoplasm (disease). Identifiers: MedGen C0027651, MeSH D009369, MONDO:0005070, HP:0002664.

Submissions (3):

Center for Genomic Medicine, Rigshospitalet, Copenhagen University Hospital
Classification: Likely oncogenic for Neoplasm. Last evaluated: 2025-12-29. Review status: criteria provided, single submitter. Criteria: ClinGen/CGC/VICC Guidelines for Oncogenicity, 2022. Collection method: clinical testing. Allele origin: somatic. Affected: yes.

Color Diagnostics, LLC DBA Color Health
Classification: Likely pathogenic for Hereditary cancer-predisposing syndrome. Last evaluated: 2021-03-05. Review status: criteria provided, single submitter. Criteria: ACMG Guidelines, 2015. Collection method: clinical testing. Allele origin: germline.
Comment: This variant causes a G to A nucleotide substitution at the -1 position of intron 5 of the BAP1 gene. Splice site prediction tools predict that this variant may have a significant impact on RNA splicing. Although this prediction has not been confirmed in published RNA studies, this variant is expected to result in an absent or disrupted protein product. This variant has not been reported in individuals affected with hereditary cancer in the literature. This variant has not been identified in the general population by the Genome Aggregation Database (gnomAD). Loss of BAP1 function is a known mechanism of disease. Based on the available evidence, this variant is classified as Likely Pathogenic.

Dr. Peter K. Rogan Lab, Western University
No classification provided (evidence only). Condition: Melanoma. Review status: no classification provided. Collection method: in vitro. Allele origin: not applicable. Functional consequence: cryptic splice site, skipped exon, retained intron. Not counted in ClinVar's aggregate classification.

NM_004656.4(BAP1):c.376-1G>A

Gene: BAP1 (BRCA1 associated deubiquitinase 1; minus strand). Cytogenetic location: 3p21.1.
Variant type: single nucleotide variant.
Coding change: c.376-1G>A on transcript NM_004656.4 (MANE Select); the canonical splice acceptor site of the intron before coding-DNA position 376, G replaced by A.
Molecular consequence: splice acceptor variant.
Genome position (GRCh38, 1-based): chr3:52,407,461, C>T on the plus strand (G>A on the coding strand, the complement: BAP1 is on the minus strand). VCF-style: chr3-52407461-C-T. GRCh37 (hg19) VCF-style: chr3-52441477-C-T.
Other names: NC_000003.11:g.52441477C>T; c.376-1G>A (NM_001410772.1).
Identifiers: ClinVar variation 1332369 (VCV001332369.4), dbSNP rs2153227978, ClinGen allele CA353111400.